The following is an entry in ClinVar:

ClinVar aggregate classification (germline): Likely benign (1 of 4 stars; one submission).

Submission:

Mayo Clinic Laboratories, Mayo Clinic
Classification: Likely benign. Last evaluated: 2025-02-05. Review status: criteria provided, single submitter. Criteria: ACMG Guidelines, 2015. Collection method: clinical testing. Allele origin: germline. Observed: 1 variant allele.
Comment: BP4, BP7

NM_015378.4(VPS13D):c.61C>T (p.Leu21=)

Gene: VPS13D (vacuolar protein sorting 13 homolog D; plus strand). Cytogenetic location: 1p36.22.
Variant type: single nucleotide variant.
Coding change: c.61C>T on transcript NM_015378.4 (MANE Select); coding-DNA position 61, C replaced by T.
Protein change: p.Leu21=; no amino-acid change (leucine 21 retained).
Molecular consequence: synonymous variant.
Genome position (GRCh38, 1-based): chr1:12,234,327, C>T. VCF-style: chr1-12234327-C-T. GRCh37 (hg19) VCF-style: chr1-12294384-C-T.
Other names: p.Leu21=; c.61C>T, p.Leu21= (NM_018156.4).
Identifiers: ClinVar variation 4684616 (VCV004684616.1).